The following is an entry in ClinVar:

NM_004168.4(SDHA):c.424A>C (p.Met142Leu)

Gene: SDHA (succinate dehydrogenase complex flavoprotein subunit A; plus strand). Cytogenetic location: 5p15.33.
Variant type: single nucleotide variant.
Coding change: c.424A>C on transcript NM_004168.4 (MANE Select); coding-DNA position 424, A replaced by C.
Protein change: p.Met142Leu; replaces methionine 142 with leucine.
Molecular consequence: missense variant. On other transcripts: intron variant (1).
Genome position (GRCh38, 1-based): chr5:225,530, A>C. VCF-style: chr5-225530-A-C. GRCh37 (hg19) VCF-style: chr5-225645-A-C.
Other names: c.424A>C, p.Met142Leu (NM_001330758.2); c.313-353A>C (NM_001294332.2); short protein forms M142L.
Identifiers: ClinVar variation 849087 (VCV000849087.12), dbSNP rs776848209, ClinGen allele CA359009596.

ClinVar aggregate classification (germline): Uncertain significance (1 of 4 stars; one submission).

Conditions:
Pheochromocytoma/paraganglioma syndrome 5. Also called: Paragangliomas 5; SDHA-Related Hereditary Paraganglioma-Pheochromocytoma Syndrome. Identifiers: Orphanet 29072, MedGen C3279992, MONDO:0013602, OMIM 614165.
Mitochondrial complex II deficiency, nuclear type 1. Also called: SUCCINATE CoQ REDUCTASE DEFICIENCY. Identifiers: Orphanet 3208, MedGen C5700310, MONDO:0100294, OMIM 252011.

Submission:

Labcorp Genetics (formerly Invitae), Labcorp
Classification: Uncertain significance for Pheochromocytoma/paraganglioma syndrome 5; Mitochondrial complex II deficiency, nuclear type 1. Last evaluated: 2021-12-15. Review status: criteria provided, single submitter. Criteria: Invitae Variant Classification Sherloc (09022015). Collection method: clinical testing. Allele origin: germline.
Comment: ClinVar contains an entry for this variant (Variation ID: 849087). In summary, the available evidence is currently insufficient to determine the role of this variant in disease. Therefore, it has been classified as a Variant of Uncertain Significance. Advanced modeling of protein sequence and biophysical properties (such as structural, functional, and spatial information, amino acid conservation, physicochemical variation, residue mobility, and thermodynamic stability) performed at Invitae indicates that this missense variant is not expected to disrupt SDHA protein function. This variant has not been reported in the literature in individuals affected with SDHA-related conditions. This variant is present in population databases (no rsID available, gnomAD 0.007%). This sequence change replaces methionine, which is neutral and non-polar, with leucine, which is neutral and non-polar, at codon 142 of the SDHA protein (p.Met142Leu).